The following is an entry in ClinVar:

NM_000302.4(PLOD1):c.1636A>G (p.Lys546Glu)

Gene: PLOD1 (procollagen-lysine,2-oxoglutarate 5-dioxygenase 1; plus strand). Cytogenetic location: 1p36.22.
Variant type: single nucleotide variant.
Coding change: c.1636A>G on transcript NM_000302.4 (MANE Select); coding-DNA position 1636, A replaced by G.
Protein change: p.Lys546Glu; replaces lysine 546 with glutamic acid.
Molecular consequence: missense variant.
Genome position (GRCh38, 1-based): chr1:11,966,302, A>G. VCF-style: chr1-11966302-A-G. GRCh37 (hg19) VCF-style: chr1-12026359-A-G.
Other names: c.1777A>G, p.Lys593Glu (NM_001316320.2); short protein forms K546E, K593E.
Identifiers: ClinVar variation 4885214 (VCV004885214.2).

ClinVar aggregate classification (germline): Uncertain significance (1 of 4 stars; one submission).

Submission:

Dasa
Classification: Uncertain significance. Last evaluated: 2025-02-20. Review status: criteria provided, single submitter. Criteria: DASA Assertion Criteria. Collection method: clinical testing. Allele origin: germline.
Comment: NM_000302.4(PLOD1):c.1636A>G (p.Lys546Glu) is a missense variant that results in the substitution of lysine with glutamic acid. This variant is absent from population databases. Computational prediction algorithms are consistent with a benign effect. The currently available literature and clinical evidence are not sufficient to establish a definitive association between this variant and the reported condition. Therefore, this variant is classified as a variant of uncertain significance.